The following is an entry in ClinVar:

NM_003119.4(SPG7):c.601G>A (p.Val201Met)

Gene: SPG7 (SPG7 matrix AAA peptidase subunit, paraplegin; plus strand). Cytogenetic location: 16q24.3.
Variant type: single nucleotide variant.
Coding change: c.601G>A on transcript NM_003119.4 (MANE Select); coding-DNA position 601, G replaced by A.
Protein change: p.Val201Met; replaces valine 201 with methionine.
Molecular consequence: missense variant.
Genome position (GRCh38, 1-based): chr16:89,524,230, G>A. VCF-style: chr16-89524230-G-A. GRCh37 (hg19) VCF-style: chr16-89590638-G-A.
Other names: c.601G>A, p.Val201Met (NM_001363850.1, NM_199367.3); c.601G>A (NM_003119.3); short protein forms V201M.
Identifiers: ClinVar variation 1305917 (VCV001305917.4), dbSNP rs775545751, ClinGen allele CA8243684.

ClinVar aggregate classification (germline): Uncertain significance. Review status: criteria provided, single submitter (1 of 4 stars). 2 submissions from 2 submitters: Uncertain significance (1). 1 of the submissions does not count toward it. Last evaluated 2019-05-14.

Conditions:
SPG7-related disorder. Also called: SPG7-related condition.

Allele frequency attached by ClinVar (database versions not stated): TOPMed 0.00002; ExAC 0.00001; gnomAD 0.00001; gnomAD exomes 0.00001.
gnomAD v4.1: 6 of 1,611,602 alleles (0.00037%); highest among the groups gnomAD compares: African/African-American, 0.0013%; no homozygotes.

Submissions (2):

GeneDx
Classification: Uncertain significance. Last evaluated: 2019-05-14. Review status: criteria provided, single submitter. Criteria: GeneDx Variant Classification Process June 2021. Collection method: clinical testing. Allele origin: germline. Affected: yes.
Comment: Has not been previously published as pathogenic or benign to our knowledge; Not observed at a significant frequency in large population cohorts (Lek et al., 2016); In silico analysis, which includes protein predictors and evolutionary conservation, supports that this variant does not alter protein structure/function

PreventionGenetics, part of Exact Sciences
Classification: Uncertain significance for SPG7-related condition. Last evaluated: 2023-10-27. Review status: no assertion criteria provided. Collection method: clinical testing. Allele origin: germline. Not counted in ClinVar's aggregate classification.
Comment: The SPG7 c.601G>A variant is predicted to result in the amino acid substitution p.Val201Met. To our knowledge, this variant has not been reported in the literature. This variant is reported in 0.0062% of alleles in individuals of African descent in gnomAD. At this time, the clinical significance of this variant is uncertain due to the absence of conclusive functional and genetic evidence.